The following is an entry in ClinVar:

ClinVar aggregate classification (germline): Uncertain significance (1 of 4 stars; one submission).

Submission:

Labcorp Genetics (formerly Invitae), Labcorp
Classification: Uncertain significance. Last evaluated: 2025-08-10. Review status: criteria provided, single submitter. Criteria: Invitae Variant Classification Sherloc (09022015). Collection method: clinical testing. Allele origin: germline.
Comment: This sequence change creates a premature translational stop signal (p.Val412Serfs*23) in the MYLK3 gene. It is expected to result in an absent or disrupted protein product. However, the current clinical and genetic evidence is not sufficient to establish whether loss-of-function variants in MYLK3 cause disease. This variant is not present in population databases (gnomAD no frequency). This variant has not been reported in the literature in individuals affected with MYLK3-related conditions. ClinVar contains an entry for this variant (Variation ID: 2790009). In summary, the available evidence is currently insufficient to determine the role of this variant in disease. Therefore, it has been classified as a Variant of Uncertain Significance.

NM_182493.3(MYLK3):c.1232dup (p.Val412fs)

Gene: MYLK3 (myosin light chain kinase 3; minus strand). Cytogenetic location: 16q11.2.
Variant type: Duplication.
Coding change: c.1232dup on transcript NM_182493.3 (MANE Select); coding-DNA position 1232, one base duplicated (G; older notation c.1232dupG).
Protein change: p.Val412fs; shifts the reading frame from valine 412.
Molecular consequence: frameshift variant.
Genome position (GRCh38, 1-based): chr16:46,732,438, C duplicated on the plus strand (G on the coding strand, the reverse complement: MYLK3 is on the minus strand); the first of 5 consecutive C bases (chr16:46,732,438-46,732,442); duplicating any one gives the same sequence. VCF-style (leftmost placement, unchanged base first): chr16-46732437-T-TC. GRCh37 (hg19) VCF-style: chr16-46766349-T-TC.
Other names: c.209dup, p.Val71fs (NM_001308301.1); short protein forms V412fs, V71fs.
Identifiers: ClinVar variation 2790009 (VCV002790009.3), dbSNP rs1966854397, ClinGen allele CA2220070598.